The following is an entry in ClinVar:

ClinVar aggregate classification (germline): Uncertain significance (1 of 4 stars; one submission).

Conditions:
Cardiovascular phenotype. Identifiers: MedGen CN230736.

Submission:

Ambry Genetics
Classification: Uncertain significance for Cardiovascular phenotype. Last evaluated: 2019-02-16. Review status: criteria provided, single submitter. Criteria: Ambry Variant Classification Scheme 2023. Collection method: clinical testing. Allele origin: germline.
Comment: The p.V1507G variant (also known as c.4520T>G), located in coding exon 38 of the ANK2 gene, results from a T to G substitution at nucleotide position 4520. The valine at codon 1507 is replaced by glycine, an amino acid with dissimilar properties. This amino acid position is highly conserved in available vertebrate species. In addition, the in silico prediction for this alteration is inconclusive. Since supporting evidence is limited at this time, the clinical significance of this alteration remains unclear.

NM_001148.6(ANK2):c.4520T>G (p.Val1507Gly)

Gene: ANK2 (ankyrin 2; plus strand). Cytogenetic location: 4q26.
Variant type: single nucleotide variant.
Coding change: c.4520T>G on transcript NM_001148.6 (MANE Select); coding-DNA position 4520, T replaced by G.
Protein change: p.Val1507Gly; replaces valine 1507 with glycine.
Molecular consequence: missense variant. On other transcripts: intron variant (68).
Genome position (GRCh38, 1-based): chr4:113,353,138, T>G. VCF-style: chr4-113353138-T-G. GRCh37 (hg19) VCF-style: chr4-114274294-T-G.
Other names: c.4286T>G, p.Val1429Gly (NM_001386142.1); c.920T>G, p.Val307Gly (NM_001386166.1); c.4661T>G, p.Val1554Gly (NM_001386174.1); c.4637T>G, p.Val1546Gly (NM_001386175.1); c.4411+2889T>G (NM_001386186.2, NM_001386148.2); c.4213+2889T>G (NM_001354269.3); c.4291+2889T>G (NM_001386187.2); c.4252+2889T>G (NM_001386147.1); and 35 more; short protein forms V1429G, V1554G, V1507G, V1546G, V307G.
Identifiers: ClinVar variation 1741214 (VCV001741214.2), dbSNP rs2505175944, ClinGen allele CA357914826.